The following is an entry in ClinVar:

NM_001382391.1(CSPP1):c.404G>A (p.Arg135His)

Gene: CSPP1 (centrosome and spindle pole associated protein 1; plus strand). Cytogenetic location: 8q13.1.
Variant type: single nucleotide variant.
Coding change: c.404G>A on transcript NM_001382391.1 (MANE Select); coding-DNA position 404, G replaced by A.
Protein change: p.Arg135His; replaces arginine 135 with histidine.
Molecular consequence: missense variant. On other transcripts: 5 prime UTR variant (1).
Genome position (GRCh38, 1-based): chr8:67,093,562, G>A. VCF-style: chr8-67093562-G-A. GRCh37 (hg19) VCF-style: chr8-68005797-G-A.
Other names: c.-452G>A (NM_001291339.2); c.323G>A, p.Arg108His (NM_001363131.2, NM_001363133.2); c.404G>A, p.Arg135His (NM_001363132.2); c.512G>A, p.Arg171His (NM_001364869.1); c.431G>A, p.Arg144His (NM_001364870.1, NM_024790.7); short protein forms R135H, R108H, R144H, R171H.
Identifiers: ClinVar variation 1507174 (VCV001507174.7), dbSNP rs1386679081, ClinGen allele CA371188727.

ClinVar aggregate classification (germline): Uncertain significance. Review status: criteria provided, multiple submitters, no conflicts (2 of 4 stars). 2 submissions from 2 submitters: Uncertain significance (2). Last evaluated 2025-02-19.

Conditions:
Joubert syndrome 21 (JBTS21). Identifiers: MedGen C3810212, MONDO:0014288, OMIM 615636.
Inborn genetic diseases. Identifiers: MedGen C0950123, MeSH D030342.

Allele frequency attached by ClinVar (database versions not stated): gnomAD exomes below 0.00001 and 0.00001; gnomAD 0.00002; TOPMed 0.00002.
gnomAD v4.1: 19 of 1,607,608 alleles (0.0012%); highest among the groups gnomAD compares: Middle Eastern, 0.016%; no homozygotes.

Submissions (2):

Labcorp Genetics (formerly Invitae), Labcorp
Classification: Uncertain significance for Joubert syndrome 21. Last evaluated: 2025-02-19. Review status: criteria provided, single submitter. Criteria: Invitae Variant Classification Sherloc (09022015). Collection method: clinical testing. Allele origin: germline.
Comment: This sequence change replaces arginine, which is basic and polar, with histidine, which is basic and polar, at codon 144 of the CSPP1 protein (p.Arg144His). The frequency data for this variant in the population databases is considered unreliable, as metrics indicate poor data quality at this position in the gnomAD database. This variant has not been reported in the literature in individuals affected with CSPP1-related conditions. ClinVar contains an entry for this variant (Variation ID: 1507174). An algorithm developed to predict the effect of missense changes on protein structure and function (PolyPhen-2) suggests that this variant is likely to be disruptive. In summary, the available evidence is currently insufficient to determine the role of this variant in disease. Therefore, it has been classified as a Variant of Uncertain Significance.

Ambry Genetics
Classification: Uncertain significance for Inborn genetic diseases. Last evaluated: 2023-03-07. Review status: criteria provided, single submitter. Criteria: Ambry Variant Classification Scheme 2023. Collection method: clinical testing. Allele origin: germline.